The following is an entry in ClinVar:

NM_017739.4(POMGNT1):c.658G>A (p.Val220Ile)

Genes: POMGNT1 (protein O-linked mannose N-acetylglucosaminyltransferase 1 (beta 1,2-); minus strand), TSPAN1 (tetraspanin 1; plus strand). Cytogenetic location: 1p34.1.
Variant type: single nucleotide variant.
Coding change: c.658G>A on transcript NM_017739.4 (MANE Select); coding-DNA position 658, G replaced by A.
Protein change: p.Val220Ile; replaces valine 220 with isoleucine.
Molecular consequence: missense variant.
Genome position (GRCh38, 1-based): chr1:46,194,646, C>T on the plus strand (G>A on the coding strand, the complement: POMGNT1 is on the minus strand). VCF-style: chr1-46194646-C-T. GRCh37 (hg19) VCF-style: chr1-46660318-C-T.
Other names: c.658G>A, p.Val220Ile (NM_001243766.2, NM_001410783.1); c.592G>A, p.Val198Ile (NM_001290129.3); c.229G>A, p.Val77Ile (NM_001290130.2); short protein forms V198I, V220I, V77I.
Identifiers: ClinVar variation 951595 (VCV000951595.8), dbSNP rs1349291334, ClinGen allele CA340184735.

ClinVar aggregate classification (germline): Uncertain significance (1 of 4 stars; one submission).

Conditions:
Autosomal recessive limb-girdle muscular dystrophy type 2O. Also called: MUSCULAR DYSTROPHY-DYSTROGLYCANOPATHY (LIMB-GIRDLE), TYPE C, 3; MUSCULAR DYSTROPHY-DYSTROGLYCANOPATHY, LIMB-GIRDLE, POMGNT1-RELATED; Limb-Girdle Muscular Dystrophy Type 3C. Identifiers: Orphanet 206564, MedGen C3150417, MONDO:0013161, OMIM 613157.
Muscular dystrophy-dystroglycanopathy (congenital with impaired intellectual development), type B, 3. Also called: Muscular dystrophy-dystroglycanopathy (congenital with intellectual disability), type B3; MUSCULAR DYSTROPHY, CONGENITAL, POMGNT1-RELATED. Identifiers: MedGen C3150412, MONDO:0013155, OMIM 613151.

Allele frequency attached by ClinVar (database versions not stated): gnomAD exomes 0.00001; TOPMed below 0.00001.
gnomAD v4.1: 8 of 1,614,140 alleles (0.0005%); highest among the groups gnomAD compares: African/African-American, 0.0013%; no homozygotes.

Submission:

Labcorp Genetics (formerly Invitae), Labcorp
Classification: Uncertain significance for Autosomal recessive limb-girdle muscular dystrophy type 2O; Muscular dystrophy-dystroglycanopathy (congenital with impaired intellectual development), type B, 3. Last evaluated: 2025-10-02. Review status: criteria provided, single submitter. Criteria: Invitae Variant Classification Sherloc (09022015). Collection method: clinical testing. Allele origin: germline.
Comment: This sequence change replaces valine, which is neutral and non-polar, with isoleucine, which is neutral and non-polar, at codon 220 of the POMGNT1 protein (p.Val220Ile). This variant is not present in population databases (gnomAD no frequency). This variant has not been reported in the literature in individuals affected with POMGNT1-related conditions. ClinVar contains an entry for this variant (Variation ID: 951595). Invitae Evidence Modeling of protein sequence and biophysical properties (such as structural, functional, and spatial information, amino acid conservation, physicochemical variation, residue mobility, and thermodynamic stability) indicates that this missense variant is not expected to disrupt POMGNT1 protein function with a negative predictive value of 95%. In summary, the available evidence is currently insufficient to determine the role of this variant in disease. Therefore, it has been classified as a Variant of Uncertain Significance.